The following is an entry in ClinVar:

ClinVar aggregate classification (germline): Uncertain significance. Review status: criteria provided, multiple submitters, no conflicts (2 of 4 stars). 2 submissions from 2 submitters: Uncertain significance (2). Last evaluated 2025-06-03.

Conditions:
Inborn genetic diseases. Identifiers: MedGen C0950123, MeSH D030342.

Allele frequency attached by ClinVar (database versions not stated): TOPMed 0.00003; gnomAD 0.00001; gnomAD exomes below 0.00001.
gnomAD v4.1: 8 of 1,549,434 alleles (0.00052%); highest among the groups gnomAD compares: African/African-American, 0.0014%; no homozygotes.

Submissions (2):

Ambry Genetics
Classification: Uncertain significance for Inborn genetic diseases. Last evaluated: 2025-06-03. Review status: criteria provided, single submitter. Criteria: Ambry Variant Classification Scheme 2023. Collection method: clinical testing. Allele origin: germline.

GeneDx
Classification: Uncertain significance. Last evaluated: 2021-12-29. Review status: criteria provided, single submitter. Criteria: GeneDx Variant Classification Process June 2021. Collection method: clinical testing. Allele origin: germline. Affected: yes.
Comment: In silico analysis supports that this missense variant has a deleterious effect on protein structure/function; Has not been previously published as pathogenic or benign to our knowledge

NM_001145809.2(MYH14):c.5758C>T (p.Arg1920Trp)

Gene: MYH14 (myosin heavy chain 14; plus strand). Cytogenetic location: 19q13.33.
Variant type: single nucleotide variant.
Coding change: c.5758C>T on transcript NM_001145809.2 (MANE Select); coding-DNA position 5758, C replaced by T.
Protein change: p.Arg1920Trp; replaces arginine 1920 with tryptophan.
Molecular consequence: missense variant.
Genome position (GRCh38, 1-based): chr19:50,307,128, C>T. VCF-style: chr19-50307128-C-T. GRCh37 (hg19) VCF-style: chr19-50810385-C-T.
Other names: c.5659C>T, p.Arg1887Trp (NM_001077186.2); c.5635C>T, p.Arg1879Trp (NM_024729.4); short protein forms R1879W, R1887W, R1920W.
Identifiers: ClinVar variation 1693404 (VCV001693404.3), dbSNP rs999578108, ClinGen allele CA309596919.
Genomic context (GRCh38, chr19:50,307,128, plus strand): 5'-AAGCTGGTGCGCAGAGCTGAGAAGCGGCTTAAAGAGGTGGTGCTCCAGGTGGAGGAGGAG[C>T]GGAGGGTGGCTGACCAGCTCCGGGACCAGGTAAGCAGCTGGCATCATTAGGGAGCAGTGG-3'
Protein context (NP_001139281.1, residues 1910-1930): KEVVLQVEEE[Arg1920Trp]RVADQLRDQL